The following is an entry in ClinVar:

NM_001267550.2(TTN):c.40477+7C>G

Gene: TTN (titin; minus strand). Cytogenetic location: 2q31.2.
Variant type: single nucleotide variant.
Coding change: c.40477+7C>G on transcript NM_001267550.2 (MANE Select); 7 bases into the intron after coding-DNA position 40477, C replaced by G.
Molecular consequence: intron variant.
Genome position (GRCh38, 1-based): chr2:178,644,541, G>C on the plus strand (C>G on the coding strand, the complement: TTN is on the minus strand). VCF-style: chr2-178644541-G-C. GRCh37 (hg19) VCF-style: chr2-179509268-G-C.
Other names: c.35554+7C>G (NM_001256850.1); c.13283-2224C>G (NM_003319.4); c.13859-2224C>G (NM_133437.4); c.13658-2224C>G (NM_133432.3); c.32773+7C>G (NM_133378.4).
Identifiers: ClinVar variation 509170 (VCV000509170.10), dbSNP rs1553759307, ClinGen allele CA658796085.
Genomic context (GRCh38, chr2:178,644,541, plus strand): 5'-GCAGAAAGAGCAAGGAGTCAGGTAAAGGGGTACTACATAAGTATGTATTTTTCAGCCTGT[G>C]AAATACCTTTCAGAGGTGTAAGCTCCACTTTTTCTGGAACCTGAGGTTTTTCAGGAACTT-3'

ClinVar aggregate classification (germline): Likely benign. Review status: criteria provided, multiple submitters, no conflicts (2 of 4 stars). 2 submissions from 2 submitters: Likely benign (2). Last evaluated 2026-02-03.

Conditions:
Dilated cardiomyopathy 1G (CMD1G). Identifiers: Orphanet 154, MedGen C1858763, MONDO:0011400, OMIM 604145.
Autosomal recessive limb-girdle muscular dystrophy type 2J (LGMDR10). Also called: Limb-girdle muscular dystrophy, type 2J; MUSCULAR DYSTROPHY, LIMB-GIRDLE, AUTOSOMAL RECESSIVE 10. Identifiers: Orphanet 140922, MedGen C1837342, MONDO:0012127, OMIM 608807.

Allele frequency attached by ClinVar (database versions not stated): gnomAD exomes below 0.00001.
gnomAD v4.1: 2 of 1,570,442 alleles (0.00013%); highest among the groups gnomAD compares: Non-Finnish European, 0.00017%; no homozygotes.

Submissions (2):

Labcorp Genetics (formerly Invitae), Labcorp
Classification: Likely benign for Dilated cardiomyopathy 1G; Autosomal recessive limb-girdle muscular dystrophy type 2J. Last evaluated: 2026-02-03. Review status: criteria provided, single submitter. Criteria: Invitae Variant Classification Sherloc (09022015). Collection method: clinical testing. Allele origin: germline.

GeneDx
Classification: Likely benign. Last evaluated: 2017-04-21. Review status: criteria provided, single submitter. Criteria: GeneDx Variant Classification (06012015). Collection method: clinical testing. Allele origin: germline. Affected: yes.
Comment: This variant is considered likely benign or benign based on one or more of the following criteria: it is a conservative change, it occurs at a poorly conserved position in the protein, it is predicted to be benign by multiple in silico algorithms, and/or has population frequency not consistent with disease.